The following is an entry in ClinVar:

ClinVar aggregate classification (germline): Uncertain significance (1 of 4 stars; one submission).

Conditions:
Dyskeratosis congenita, autosomal dominant 1 (DKCA1). Also called: Dyskeratosis congenita Scoggins type. Identifiers: Orphanet 1775, MedGen C4551974, MONDO:0007485, OMIM 127550. Inheritance: Variable.

Submission:

Labcorp Genetics (formerly Invitae), Labcorp
Classification: Uncertain significance for Dyskeratosis congenita, autosomal dominant 1. Last evaluated: 2024-04-30. Review status: criteria provided, single submitter. Criteria: Invitae Variant Classification Sherloc (09022015). Collection method: clinical testing. Allele origin: germline.
Comment: This variant occurs in the TERC gene, which encodes an RNA molecule that does not result in a protein product. This variant is not present in population databases (gnomAD no frequency). This variant has not been reported in the literature in individuals affected with TERC-related conditions. ClinVar contains an entry for this variant (Variation ID: 944486). This variant is located within the template/pseudoknot domain of the TERC RNA component, which is required for RNA or RNP stability (PMID: 15082312, 21844345). In summary, the available evidence is currently insufficient to determine the role of this variant in disease. Therefore, it has been classified as a Variant of Uncertain Significance.

Literature cited by the submitters: PubMed 15082312; PubMed 21844345.

NC_000003.12:g.169764905G>A

Genes: TERC (telomerase RNA component; minus strand), LOC110806306 (telomerase RNA component (TERC) promoter; plus strand). Cytogenetic location: 3q26.2.
Variant type: single nucleotide variant.
Genome position: GRCh38 VCF-style: chr3-169764905-G-A. GRCh37 (hg19) VCF-style: chr3-169482693-G-A.
Identifiers: ClinVar variation 944486 (VCV000944486.10), dbSNP rs887909084, ClinGen allele CA87624239.
Genomic context (GRCh38, chr3:169,764,905, plus strand): 5'-CGCAGGTCCCCGGGAGGGGCGAACGGGCCAGCAGCTGACATTTTTTGTTTGCTCTAGAAT[G>A]AACGGTGGAAGGCGGCAGGCCGAGGCTTTTCCGCCCGCTGAAAGTCAGCGAGAAAAACAG-3'